The following is an entry in ClinVar:

ClinVar aggregate classification (germline): Uncertain significance (1 of 4 stars; one submission).

Conditions:
Hereditary hyperekplexia. Identifiers: Orphanet 3197, MedGen C4084968, MONDO:0021022.

Submission:

Labcorp Genetics (formerly Invitae), Labcorp
Classification: Uncertain significance for Hereditary hyperekplexia. Last evaluated: 2025-07-14. Review status: criteria provided, single submitter. Criteria: Invitae Variant Classification Sherloc (09022015). Collection method: clinical testing. Allele origin: germline.
Comment: This sequence change replaces tyrosine, which is neutral and polar, with histidine, which is basic and polar, at codon 329 of the GLRA1 protein (p.Tyr329His). This variant is not present in population databases (gnomAD no frequency). This variant has not been reported in the literature in individuals affected with GLRA1-related conditions. ClinVar contains an entry for this variant (Variation ID: 3650019). Invitae Evidence Modeling of protein sequence and biophysical properties (such as structural, functional, and spatial information, amino acid conservation, physicochemical variation, residue mobility, and thermodynamic stability) has been performed for this missense variant. However, the output from this modeling did not meet the statistical confidence thresholds required to predict the impact of this variant on GLRA1 protein function. In summary, the available evidence is currently insufficient to determine the role of this variant in disease. Therefore, it has been classified as a Variant of Uncertain Significance.

NM_000171.4(GLRA1):c.985T>C (p.Tyr329His)

Gene: GLRA1 (glycine receptor alpha 1; minus strand). Cytogenetic location: 5q33.1.
Variant type: single nucleotide variant.
Coding change: c.985T>C on transcript NM_000171.4 (MANE Select); coding-DNA position 985, T replaced by C.
Protein change: p.Tyr329His; replaces tyrosine 329 with histidine.
Molecular consequence: missense variant.
Genome position (GRCh38, 1-based): chr5:151,828,995, A>G on the plus strand (T>C on the coding strand, the complement: GLRA1 is on the minus strand). VCF-style: chr5-151828995-A-G. GRCh37 (hg19) VCF-style: chr5-151208556-A-G.
Other names: c.985T>C, p.Tyr329His (NM_001146040.2); c.736T>C, p.Tyr246His (NM_001292000.2); short protein forms Y246H, Y329H.
Identifiers: ClinVar variation 3650019 (VCV003650019.2).